The following is an entry in ClinVar:

NM_001267550.2(TTN):c.49346-1G>A

Genes: TTN-AS1 (TTN antisense RNA 1; plus strand), TTN (titin; minus strand). Cytogenetic location: 2q31.2.
Variant type: single nucleotide variant.
Coding change: c.49346-1G>A on transcript NM_001267550.2 (MANE Select); the canonical splice acceptor site of the intron before coding-DNA position 49346, G replaced by A.
Molecular consequence: splice acceptor variant.
Genome position (GRCh38, 1-based): chr2:178,613,938, C>T on the plus strand (G>A on the coding strand, the complement: TTN is on the minus strand). VCF-style: chr2-178613938-C-T. GRCh37 (hg19) VCF-style: chr2-179478665-C-T.
Other names: c.49346-1G>A (LRG_391t1); c.22151-1G>A (NM_003319.4); c.22727-1G>A (NM_133437.4); c.22526-1G>A (NM_133432.3); c.41642-1G>A (NM_133378.4); c.44423-1G>A (NM_001256850.1).
Identifiers: ClinVar variation 223309 (VCV000223309.25), dbSNP rs869312070, ClinGen allele CA353085.

ClinVar aggregate classification (germline): Pathogenic/Likely pathogenic. Review status: criteria provided, multiple submitters, no conflicts (2 of 4 stars). 5 submissions from 5 submitters: Pathogenic (1); Likely pathogenic (4). Last evaluated 2026-02-15.

Conditions:
Dilated cardiomyopathy 1G (CMD1G). Identifiers: Orphanet 154, MedGen C1858763, MONDO:0011400, OMIM 604145.
Autosomal recessive limb-girdle muscular dystrophy type 2J (LGMDR10). Also called: Limb-girdle muscular dystrophy, type 2J; MUSCULAR DYSTROPHY, LIMB-GIRDLE, AUTOSOMAL RECESSIVE 10. Identifiers: Orphanet 140922, MedGen C1837342, MONDO:0012127, OMIM 608807.
TTN-related disorder. Also called: TTN-related disorders; TTN-related condition; TTN-related disease.
Cardiovascular phenotype. Identifiers: MedGen CN230736.
Primary dilated cardiomyopathy (DCM). Also called: Dilated Cardiomyopathy. Identifiers: Orphanet 217604, MedGen C0007193, MeSH D002311, MONDO:0005021, HP:0001644. Inheritance: Various modes of inheritance.

Allele frequency attached by ClinVar (database versions not stated): gnomAD exomes below 0.00001 and 0.00002.
gnomAD v4.1: 33 of 1,607,402 alleles (0.0021%); highest among the groups gnomAD compares: Non-Finnish European, 0.0028%; no homozygotes.

Submissions (6):

GeneDx
Classification: Pathogenic. Last evaluated: 2026-02-15. Review status: criteria provided, single submitter. Criteria: GeneDx Variant Classification Process June 2021. Collection method: clinical testing. Allele origin: germline. Affected: yes.
Comment: Canonical splice site variant demonstrated to result in exon skipping in a gene for which loss of function is a known mechanism of disease (PMID: 35476365); Located in the A-band, a region of TTN for which truncating variants are significantly associated with autosomal dominant cardiomyopathy and also with autosomal recessive skeletal myopathies (PMID: 22335739, 32778822); Identified in patients with DCM referred for genetic testing at GeneDx and in published literature (PMID: 25163546, 25589632, 27437901); Not observed at significant frequency in large population cohorts (gnomAD); This variant is associated with the following publications: (PMID: 25163546, 23975875, 32235935, 25589632, 35476365, 22335739, 32778822, 35177841, 27437901, 31691645)

Labcorp Genetics (formerly Invitae), Labcorp
Classification: Likely pathogenic for Dilated cardiomyopathy 1G; Autosomal recessive limb-girdle muscular dystrophy type 2J. Last evaluated: 2025-11-24. Review status: criteria provided, single submitter. Criteria: Invitae Variant Classification Sherloc (09022015). Collection method: clinical testing. Allele origin: germline.
Comment: This sequence change affects an acceptor splice site in intron 262 of the TTN gene. While this is not anticipated to result in nonsense mediated decay, it is expected to create a truncated TTN protein. This variant is present in population databases (no rsID available, gnomAD 0.0009%). Disruption of this splice site has been observed in individual(s) with clinical features of autosomal dominant dilated cardiomyopathy (PMID: 25163546, 25589632; internal data). This variant is also known as c.41642-1G>A. ClinVar contains an entry for this variant (Variation ID: 223309). Algorithms developed to predict the effect of sequence changes on RNA splicing suggest that this variant may disrupt the consensus splice site. This variant is located in the A band of TTN (PMID: 25589632). Truncating variants in this region are significantly overrepresented in patients affected with dilated cardiomyopathy (PMID: 25589632). Truncating variants in this region have also been reported in individuals affected with autosomal recessive centronuclear myopathy (PMID: 23975875). In summary, the currently available evidence indicates that the variant is pathogenic, but additional data are needed to prove that conclusively. Therefore, this variant has been classified as Likely Pathogenic.

Rady Children's Institute for Genomic Medicine, Rady Children's Hospital San Diego
Classification: Likely pathogenic for TTN-Related Disorders. Last evaluated: 2024-04-26. Review status: criteria provided, single submitter. Criteria: ACMG Guidelines, 2015. Collection method: clinical testing. Allele origin: germline. Affected: yes.
Comment: This variant results in a c.41642-1G>A change in an alternate transcript (NM_133378.4). This variant affects the canonical splice donor site of intron 262 and is therefore predicted to affect normal (native) splicing. Loss-of-function variation in TTN is an established mechanism of disease (PMID: 22335739, 25589632). This variant has been previously reported as a heterozygous change in individuals with dilated cardiomyopathy (PMID: 25163546, 25589632) and in individuals with atrial fibrillation, heart failure, and mitral valve prolapse (PMID: 35177841). Functional studies demonstrated that the c.49346-1G>A variant resulted in aberrant splicing causing exon skipping (PMID: 35476365). The c.49346-1G>A variant is present in the heterozygous state in the gnomAD v4 population database at a frequency of 0.002% (33/1455508) and is absent in the homozygous state, thus is presumed to be rare. Based on the available evidence, c.49346-1G>A is classified as Likely Pathogenic.

Ambry Genetics
Classification: Likely pathogenic for Cardiovascular phenotype. Last evaluated: 2024-02-01. Review status: criteria provided, single submitter. Criteria: Ambry Variant Classification Scheme 2023. Collection method: clinical testing. Allele origin: germline.
Comment: The c.22151-1G>A intronic variant results from a G to A substitution one nucleotide upstream from coding exon 90 of the TTN gene. Exon 90 is located in the A-band region of the N2-B isoform of the titin protein and is constitutively expressed in TTN transcripts (percent spliced in or PSI 100%). This variant has been reported in dilated cardiomyopathy cohorts; however, clinical details were limited (Roberts AM et al. Sci Transl Med, 2015 Jan;7:270ra6; Haas J et al. Eur. Heart J., 2015 May;36:1123-35a; Felkin LE et al. JAMA Cardiol, 2016 05;1:234-5). RNA studies by one group indicated that this variant (referred to as c.493461G>A) may lead to aberrant splicing resulting in exon skipping; however, experimental data was not shown (Wai HA et al. Hum Mutat. 2022 Jul;43(7):963-970). This alteration disrupts the canonical splice site and is expected to cause aberrant splicing, resulting in an abnormal protein or a transcript that is subject to nonsense-mediated mRNA decay. While loss of function variants in TTN are present in 1-3% of the general population, truncating variants (a category that includes canonical splice site variants) in the A-band are the most common cause of dilated cardiomyopathy (DCM) (Herman DS et al. N. Engl. J. Med., 2012 Feb;366:619-28; Roberts AM et al. Sci Transl Med, 2015 Jan;7:270ra6). TTN truncating variants encoded in constitutive exons (PSI >90%) have been found to be significantly associated with DCM regardless of their position in titin (Schafer S et al. Nat. Genet., 2017 01;49:46-53). This nucleotide position is highly conserved in available vertebrate species. In silico splice site analysis predicts that this alteration will weaken the native splice acceptor site and may result in the creation or strengthening of a novel splice acceptor site. Based on the majority of available evidence to date, this variant is likely to be pathogenic.

Cardiovascular Biomedical Research Unit, Royal Brompton & Harefield NHS Foundation Trust
Classification: Likely pathogenic for Primary dilated cardiomyopathy. Last evaluated: 2014-10-08. Review status: criteria provided, single submitter. Criteria: Roberts et al. 2015. Collection method: research. Allele origin: germline. Inheritance: Autosomal dominant inheritance. Affected: yes. Observed: 1 variant allele. Study: Endstage DCM.
Comment: In the seven cohorts assessed, TTNtv were found in 14% of ambulant DCM, 22% end-stage or familial DCM, and 2% controls. Heterozygous nonsense, frameshift and canonical splice-disrupting variants found in constitutive and other highly utilised exons are highly likely to be pathogenic when identified in individuals with phenotypically confirmed DCM. TTNtv found incidentally in healthy individuals (excluding familial assessment of DCM relatives) are thought to have low penetrance, particularly when identified in exons that are not constitutively expressed in the heart.

Human Development and Health, University of Southampton
No classification provided (evidence only). Review status: no classification provided. Collection method: in vitro. Allele origin: not applicable. Functional consequence: sequence_variant_affecting_splicing. Not counted in ClinVar's aggregate classification.
ClinVar note: "not provided" was previously submitted as the classification for the variant. However, the classification appeared to be based only on an observation of functional data so it was converted to no classification on 2025-07-30.

Literature cited by the submitters: PubMed 25163546 (cited by Labcorp Genetics (formerly Invitae), Labcorp and Ambry Genetics); PubMed 25589632 (cited by Labcorp Genetics (formerly Invitae), Labcorp and Ambry Genetics); PubMed 23975875 (cited by Labcorp Genetics (formerly Invitae), Labcorp); PubMed 32123317 (cited by Ambry Genetics); PubMed 35177841 (cited by Ambry Genetics); PubMed 35476365 (cited by Ambry Genetics).